The following is an entry in ClinVar:

NC_012920.1(MT-ND4L):m.10609T>C

Gene: MT-ND4L (mitochondrially encoded NADH dehydrogenase 4L; plus strand).
Variant type: single nucleotide variant.
Genome position: chrM-10609-T-C.
Identifiers: ClinVar variation 693302 (VCV000693302.1), dbSNP rs200487531, ClinGen allele CA337098910.

ClinVar aggregate classification (germline): Benign (1 of 4 stars; one submission).

Conditions:
Leigh syndrome (NULS). Also called: Leigh's necrotizing encephalopathy; Leigh's disease; Leigh Syndrome (mtDNA deletion); Leigh Disease; Subacute necrotizing encephalopathy; Necrotizing encephalopathy infantile subacute of Leigh. Identifiers: Orphanet 506, MedGen C2931891, MONDO:0009723, OMIM 256000.

Submission:

Wong Mito Lab, Molecular and Human Genetics, Baylor College of Medicine
Classification: Benign for Leigh syndrome. Last evaluated: 2019-10-17. Review status: criteria provided, single submitter. Criteria: Modified ACMG Guidelines (Unpublished). Collection method: clinical testing. Allele origin: germline.
Comment: The NC_012920.1:m.10609T>C (YP_003024034.1:p.Met47Thr) variant in MTND4L gene is interpretated to be a Benign variant based on the modified ACMG guidelines (unpublished). This variant meets the following evidence codes: BA1